The following is an entry in ClinVar:

ClinVar aggregate classification (germline): Uncertain significance (1 of 4 stars; one submission).

Submission:

GeneDx
Classification: Uncertain significance. Last evaluated: 2011-11-28. Review status: criteria provided, single submitter. Criteria: GeneDx Variant Classification (06012015). Collection method: clinical testing. Allele origin: germline. Affected: yes.
Comment: The Ile1234Asn variant in the CACNA1C gene has not been reported previously as a disease-causing mutation or as a benign polymorphism, to our knowledge. Ile1234Asn results in a non-conservative amino acid substitution of a non-polar Isoleucine with a neutral, polar Asparagine at a position that is conserved throughout evolution. In silico analysis predicts this change to be possibly damaging to the structure/function of the protein and disease-causing. Additionally, Ile1234Asn was not observed in up to 200 control alleles from individuals of African American ancestry tested at GeneDx, indicating it is not a common benign variant in this population. Nevertheless, Ile1234Asn is located in a region of the CACNA1C gene with no other reported mutations, indicating this region of the protein may be tolerant of change. In summary, with the clinical and molecular information available at this time, we cannot unequivocally determine whether Ile1234Asn is a disease-causing mutation or a rare benign variant. The variant is found in LQT panel(s).

NM_000719.7(CACNA1C):c.3701T>A (p.Ile1234Asn)

Gene: CACNA1C (calcium voltage-gated channel subunit alpha1 C; plus strand). Cytogenetic location: 12p13.33.
Variant type: single nucleotide variant.
Coding change: c.3701T>A on transcript NM_000719.7 (MANE Select); coding-DNA position 3701, T replaced by A.
Protein change: p.Ile1234Asn; replaces isoleucine 1234 with asparagine.
Molecular consequence: missense variant.
Genome position (GRCh38, 1-based): chr12:2,610,683, T>A. VCF-style: chr12-2610683-T-A. GRCh37 (hg19) VCF-style: chr12-2719849-T-A.
Other names: p.I1234N:ATC>AAC; c.3761T>A, p.Ile1254Asn (NM_001129827.2, NM_001129832.2, NM_199460.4); c.3701T>A, p.Ile1234Asn (NM_001129829.2, NM_001129830.3, NM_001129831.2 and 15 more transcripts); c.3692T>A, p.Ile1231Asn (NM_001129844.2); short protein forms I1234N, I1254N, I1231N.
Identifiers: ClinVar variation 190705 (VCV000190705.2), dbSNP rs786205780, ClinGen allele CA301767.